The following is an entry in ClinVar:

NM_144631.6(ZNF513):c.97G>A (p.Val33Ile)

Gene: ZNF513 (zinc finger protein 513; minus strand). Cytogenetic location: 2p23.3.
Variant type: single nucleotide variant.
Coding change: c.97G>A on transcript NM_144631.6 (MANE Select); coding-DNA position 97, G replaced by A.
Protein change: p.Val33Ile; replaces valine 33 with isoleucine.
Molecular consequence: missense variant. On other transcripts: 5 prime UTR variant (1).
Genome position (GRCh38, 1-based): chr2:27,380,207, C>T on the plus strand (G>A on the coding strand, the complement: ZNF513 is on the minus strand). VCF-style: chr2-27380207-C-T. GRCh37 (hg19) VCF-style: chr2-27603074-C-T.
Other names: c.-90G>A (NM_001201459.2); short protein forms V33I.
Identifiers: ClinVar variation 1915860 (VCV001915860.5), dbSNP rs1458239993, ClinGen allele CA346220062.

ClinVar aggregate classification (germline): Uncertain significance (1 of 4 stars; one submission).

Allele frequency attached by ClinVar (database versions not stated): TOPMed below 0.00001.

Submission:

Labcorp Genetics (formerly Invitae), Labcorp
Classification: Uncertain significance. Last evaluated: 2023-06-16. Review status: criteria provided, single submitter. Criteria: Invitae Variant Classification Sherloc (09022015). Collection method: clinical testing. Allele origin: germline.
Comment: This sequence change replaces valine, which is neutral and non-polar, with isoleucine, which is neutral and non-polar, at codon 33 of the ZNF513 protein (p.Val33Ile). This variant is not present in population databases (gnomAD no frequency). In summary, the available evidence is currently insufficient to determine the role of this variant in disease. Therefore, it has been classified as a Variant of Uncertain Significance. An algorithm developed to predict the effect of missense changes on protein structure and function (PolyPhen-2) suggests that this variant is likely to be tolerated. ClinVar contains an entry for this variant (Variation ID: 1915860). This variant has not been reported in the literature in individuals affected with ZNF513-related conditions.